The following is an entry in ClinVar:

NM_057175.5(NAA15):c.1696T>G (p.Leu566Val)

Gene: NAA15 (N-alpha-acetyltransferase 15, NatA auxiliary subunit; plus strand). Cytogenetic location: 4q31.1.
Variant type: single nucleotide variant.
Coding change: c.1696T>G on transcript NM_057175.5 (MANE Select); coding-DNA position 1696, T replaced by G.
Protein change: p.Leu566Val; replaces leucine 566 with valine.
Molecular consequence: missense variant.
Genome position (GRCh38, 1-based): chr4:139,361,880, T>G. VCF-style: chr4-139361880-T-G. GRCh37 (hg19) VCF-style: chr4-140283034-T-G.
Other names: c.1696T>G, p.Leu566Val (NM_001410842.1); c.*105T>G (NM_025085.2); short protein forms L566V.
Identifiers: ClinVar variation 2589643 (VCV002589643.5), dbSNP rs374017518, ClinGen allele CA3083682.

ClinVar aggregate classification (germline): Uncertain significance. Review status: criteria provided, multiple submitters, no conflicts (2 of 4 stars). 2 submissions from 2 submitters: Uncertain significance (2). Last evaluated 2025-10-18.

Conditions:
Inborn genetic diseases. Identifiers: MedGen C0950123, MeSH D030342.

Allele frequency attached by ClinVar (database versions not stated): ESP Exome Variant Server 0.00008; ExAC 0.00001; TOPMed 0.00005.
gnomAD v4.1: 92 of 1,613,638 alleles (0.0057%); highest among the groups gnomAD compares: Non-Finnish European, 0.0075%; no homozygotes.

Submissions (2):

Ambry Genetics
Classification: Uncertain significance for Inborn genetic diseases. Last evaluated: 2025-10-18. Review status: criteria provided, single submitter. Criteria: Ambry Variant Classification Scheme 2023. Collection method: clinical testing. Allele origin: germline.

Labcorp Genetics (formerly Invitae), Labcorp
Classification: Uncertain significance. Last evaluated: 2025-03-17. Review status: criteria provided, single submitter. Criteria: Invitae Variant Classification Sherloc (09022015). Collection method: clinical testing. Allele origin: germline.
Comment: This sequence change replaces leucine, which is neutral and non-polar, with valine, which is neutral and non-polar, at codon 566 of the NAA15 protein (p.Leu566Val). This variant is present in population databases (rs374017518, gnomAD 0.004%). This variant has not been reported in the literature in individuals affected with NAA15-related conditions. ClinVar contains an entry for this variant (Variation ID: 2589643). An algorithm developed to predict the effect of missense changes on protein structure and function (PolyPhen-2) suggests that this variant is likely to be disruptive. In summary, the available evidence is currently insufficient to determine the role of this variant in disease. Therefore, it has been classified as a Variant of Uncertain Significance.